The following is an entry in ClinVar:

ClinVar aggregate classification (germline): Uncertain significance. Review status: criteria provided, multiple submitters, no conflicts (2 of 4 stars). 2 submissions from 2 submitters: Uncertain significance (2). Last evaluated 2022-10-13.

Allele frequency attached by ClinVar (database versions not stated): gnomAD 0.00001; gnomAD exomes 0.00001; TOPMed 0.00001; ExAC 0.00006.

Submissions (2):

Labcorp Genetics (formerly Invitae), Labcorp
Classification: Uncertain significance. Last evaluated: 2022-10-13. Review status: criteria provided, single submitter. Criteria: Invitae Variant Classification Sherloc (09022015). Collection method: clinical testing. Allele origin: germline.
Comment: This sequence change replaces aspartic acid, which is acidic and polar, with asparagine, which is neutral and polar, at codon 839 of the RBP3 protein (p.Asp839Asn). This variant is present in population databases (rs782684030, gnomAD 0.02%). This variant has not been reported in the literature in individuals affected with RBP3-related conditions. Algorithms developed to predict the effect of missense changes on protein structure and function are either unavailable or do not agree on the potential impact of this missense change (SIFT: "Deleterious"; PolyPhen-2: "Possibly Damaging"; Align-GVGD: "Class C0"). In summary, the available evidence is currently insufficient to determine the role of this variant in disease. Therefore, it has been classified as a Variant of Uncertain Significance.

Blueprint Genetics
Classification: Uncertain significance. Last evaluated: 2019-12-16. Review status: criteria provided, single submitter. Criteria: ACMG Guidelines, 2015. Collection method: clinical testing. Allele origin: germline.

NM_002900.3(RBP3):c.2515G>A (p.Asp839Asn)

Gene: RBP3 (retinol binding protein 3; plus strand). Cytogenetic location: 10q11.22.
Variant type: single nucleotide variant.
Coding change: c.2515G>A on transcript NM_002900.3 (MANE Select); coding-DNA position 2515, G replaced by A.
Protein change: p.Asp839Asn; replaces aspartic acid 839 with asparagine.
Molecular consequence: missense variant.
Genome position (GRCh38, 1-based): chr10:47,350,999, G>A. VCF-style: chr10-47350999-G-A. GRCh37 (hg19) VCF-style: chr10-48388363-C-T.
Other names: short protein forms D839N.
Identifiers: ClinVar variation 1900675 (VCV001900675.3), dbSNP rs782684030, ClinGen allele CA5487265.